The following is an entry in ClinVar:

NM_001244008.2(KIF1A):c.3525C>T (p.Phe1175=)

Gene: KIF1A (kinesin family member 1A; minus strand). Cytogenetic location: 2q37.3.
Variant type: single nucleotide variant.
Coding change: c.3525C>T on transcript NM_001244008.2 (MANE Select); coding-DNA position 3525, C replaced by T.
Protein change: p.Phe1175=; no amino-acid change (phenylalanine 1175 retained).
Molecular consequence: synonymous variant.
Genome position (GRCh38, 1-based): chr2:240,744,001, G>A on the plus strand (C>T on the coding strand, the complement: KIF1A is on the minus strand). VCF-style: chr2-240744001-G-A. GRCh37 (hg19) VCF-style: chr2-241683418-G-A.
Other names: c.3249C>T, p.Phe1083= (NM_001320705.2, NM_001330289.2, NM_001379638.1); c.3324C>T, p.Phe1108= (NM_001330290.2, NM_001379634.1, NM_001379635.1 and 1 more transcripts); c.3600C>T, p.Phe1200= (NM_001379631.1); c.3474C>T, p.Phe1158= (NM_001379632.1); c.3498C>T, p.Phe1166= (NM_001379633.1, NM_001379642.1, NM_001379645.1); c.3222C>T, p.Phe1074= (NM_001379636.1, NM_001379639.1, NM_001379641.1 and 5 more transcripts); c.3297C>T, p.Phe1099= (NM_001379637.1, NM_001379648.1); c.3219C>T, p.Phe1073= (NM_001379640.1).
Identifiers: ClinVar variation 773951 (VCV000773951.9), dbSNP rs760166545, ClinGen allele CA2207779.

ClinVar aggregate classification (germline): Likely benign. Review status: criteria provided, multiple submitters, no conflicts (2 of 4 stars). 2 submissions from 2 submitters: Likely benign (2). Last evaluated 2025-06-29.

Conditions:
Hereditary spastic paraplegia 30. Identifiers: Orphanet 101010, MedGen C5235139, MONDO:0012476.
Neuropathy, hereditary sensory, type 2C. Also called: KIF1A-Related HSAN2 (HSAN2C); Hereditary sensory and autonomic neuropathy type IIC. Identifiers: Orphanet 970, MedGen C3280168, MONDO:0013634, OMIM 614213.
Intellectual disability, autosomal dominant 9 (NESCAVS). Also called: KIF1A-Related Neurodevelopmental Disorder; NESCAV SYNDROME. Identifiers: Orphanet 662367, MedGen C5393830, MONDO:0013656, OMIM 614255.

Allele frequency attached by ClinVar (database versions not stated): gnomAD exomes 0.00001 and 0.00005; gnomAD 0.00004; TOPMed 0.00004; ExAC 0.00006.
gnomAD v4.1: 22 of 1,613,798 alleles (0.0014%); highest among the groups gnomAD compares: Admixed American, 0.01%; no homozygotes.

Submissions (2):

Labcorp Genetics (formerly Invitae), Labcorp
Classification: Likely benign for Hereditary spastic paraplegia 30; Neuropathy, hereditary sensory, type 2C; Intellectual disability, autosomal dominant 9. Last evaluated: 2025-06-29. Review status: criteria provided, single submitter. Criteria: Invitae Variant Classification Sherloc (09022015). Collection method: clinical testing. Allele origin: germline.

GeneDx
Classification: Likely benign. Last evaluated: 2021-03-25. Review status: criteria provided, single submitter. Criteria: GeneDx Variant Classification Process June 2021. Collection method: clinical testing. Allele origin: germline. Affected: yes.
Comment: See Variant Classification Assertion Criteria.